The following is an entry in ClinVar:

NM_001128840.3(CACNA1D):c.1503C>T (p.Leu501=)

Gene: CACNA1D (calcium voltage-gated channel subunit alpha1 D; plus strand). Cytogenetic location: 3p21.1.
Variant type: single nucleotide variant.
Coding change: c.1503C>T on transcript NM_001128840.3 (MANE Select); coding-DNA position 1503, C replaced by T.
Protein change: p.Leu501=; no amino-acid change (leucine 501 retained).
Molecular consequence: synonymous variant.
Genome position (GRCh38, 1-based): chr3:53,719,779, C>T. VCF-style: chr3-53719779-C-T. GRCh37 (hg19) VCF-style: chr3-53753806-C-T.
Other names: c.1563C>T, p.Leu521= (NM_000720.4); c.1503C>T, p.Leu501= (NM_001128839.3).
Identifiers: ClinVar variation 3621310 (VCV003621310.2).

ClinVar aggregate classification (germline): Uncertain significance (1 of 4 stars; one submission).

Submission:

Labcorp Genetics (formerly Invitae), Labcorp
Classification: Uncertain significance. Last evaluated: 2024-04-25. Review status: criteria provided, single submitter. Criteria: Invitae Variant Classification Sherloc (09022015). Collection method: clinical testing. Allele origin: germline.
Comment: This sequence change affects codon 521 of the CACNA1D mRNA. It is a 'silent' change, meaning that it does not change the encoded amino acid sequence of the CACNA1D protein. This variant is not present in population databases (gnomAD no frequency). This variant has not been reported in the literature in individuals affected with CACNA1D-related conditions. Algorithms developed to predict the effect of sequence changes on RNA splicing suggest that this variant may disrupt the consensus splice site. In summary, the available evidence is currently insufficient to determine the role of this variant in disease. Therefore, it has been classified as a Variant of Uncertain Significance.